The following is an entry in ClinVar:

NM_000038.6(APC):c.4772C>A (p.Ala1591Glu)

Gene: APC (APC regulator of Wnt signaling pathway; plus strand). Cytogenetic location: 5q22.2.
Variant type: single nucleotide variant.
Coding change: c.4772C>A on transcript NM_000038.6 (MANE Select); coding-DNA position 4772, C replaced by A.
Protein change: p.Ala1591Glu; replaces alanine 1591 with glutamic acid.
Molecular consequence: missense variant. On other transcripts: non-coding transcript variant (2).
Genome position (GRCh38, 1-based): chr5:112,840,366, C>A. VCF-style: chr5-112840366-C-A. GRCh37 (hg19) VCF-style: chr5-112176063-C-A.
Other names: c.4772C>A, p.Ala1591Glu (NM_001127510.3, NM_001354895.2, NM_001407450.1); c.4718C>A, p.Ala1573Glu (NM_001127511.3); c.4826C>A, p.Ala1609Glu (NM_001354896.2, NM_001407447.1, NM_001407448.1 and 1 more transcripts); c.4802C>A, p.Ala1601Glu (NM_001354897.2); c.4697C>A, p.Ala1566Glu (NM_001354898.2); c.4688C>A, p.Ala1563Glu (NM_001354899.2); c.4649C>A, p.Ala1550Glu (NM_001354900.2); c.4595C>A, p.Ala1532Glu (NM_001354901.2, NM_001407453.1); and 11 more; short protein forms A1462E, A1465E, A1490E, A1550E, A1573E, A1601E, A1207E, A1431E.
Identifiers: ClinVar variation 4827279 (VCV004827279.1).

ClinVar aggregate classification (germline): Uncertain significance (1 of 4 stars; one submission).

Conditions:
Hereditary cancer-predisposing syndrome. Also called: Neoplastic Syndromes, Hereditary; Tumor predisposition; Hereditary Cancer Syndrome; Hereditary neoplastic syndrome. Identifiers: Orphanet 140162, MedGen C0027672, MeSH D009386, MONDO:0015356.

Submission:

Ambry Genetics
Classification: Uncertain significance for Hereditary cancer-predisposing syndrome. Last evaluated: 2026-02-23. Review status: criteria provided, single submitter. Criteria: Ambry Variant Classification Scheme 2023. Collection method: clinical testing. Allele origin: germline.
Comment: The p.A1591E variant (also known as c.4772C>A), located in coding exon 15 of the APC gene, results from a C to A substitution at nucleotide position 4772. The alanine at codon 1591 is replaced by glutamic acid, an amino acid with dissimilar properties. This amino acid position is conserved. In addition, in silico predictors for this gene do not accurately predict pathogenicity. Based on the available evidence, the clinical significance of this variant remains unclear.